The following is an entry in ClinVar:

NM_000083.3(CLCN1):c.2867del (p.Leu956fs)

Gene: CLCN1 (chloride voltage-gated channel 1; plus strand). Cytogenetic location: 7q34.
Variant type: Deletion.
Coding change: c.2867del on transcript NM_000083.3 (MANE Select); coding-DNA position 2867, one base deleted (T; older notation c.2867delT).
Protein change: p.Leu956fs; shifts the reading frame from leucine 956.
Molecular consequence: frameshift variant. On other transcripts: non-coding transcript variant (1).
Genome position (GRCh38, 1-based): chr7:143,351,865, T deleted. VCF-style (leftmost placement, unchanged base first): chr7-143351864-CT-C. GRCh37 (hg19) VCF-style: chr7-143048957-CT-C.
Other names: short protein forms L956fs.
Identifiers: ClinVar variation 5002009 (VCV005002009.1).

ClinVar aggregate classification (germline): Likely pathogenic (1 of 4 stars; one submission).

Conditions:
CLCN1-related disorder. Also called: CLCN1-related condition.

Submission:

PreventionGenetics, part of Exact Sciences
Classification: Likely pathogenic for CLCN1-related condition. Last evaluated: 2025-01-06. Review status: criteria provided, single submitter. Criteria: ACMG Guidelines, 2015. Collection method: clinical testing. Allele origin: germline.
Comment: The CLCN1 c.2867delT variant is predicted to result in a frameshift and premature protein termination (p.Leu956Argfs*31). This variant occurs in the final exon of the gene and is predicted to alter the last 30 of 33 amino acids and truncate the last 3 amino acids. A different frameshift variant with a similar predicted protein impact (c.2831dup, p.Gly945Argfs*39) has been reported with a second CLCN1 variant in a patient with myotonia (Dupré et al. 2009. PubMed ID: 18337100). To our knowledge, this variant has not been reported in the literature or in a large population database (gnomAD), indicating this variant is rare. This variant is interpreted as likely pathogenic for autosomal recessive CLCN1-related disorders.